The following is an entry in ClinVar:

NM_020145.4(SH3GLB2):c.666C>T (p.Arg222=)

Gene: SH3GLB2 (SH3 domain containing GRB2 like, endophilin B2; minus strand). Cytogenetic location: 9q34.11.
Variant type: single nucleotide variant.
Coding change: c.666C>T on transcript NM_020145.4 (MANE Select); coding-DNA position 666, C replaced by T.
Protein change: p.Arg222=; no amino-acid change (arginine 222 retained).
Molecular consequence: synonymous variant. On other transcripts: non-coding transcript variant (1).
Genome position (GRCh38, 1-based): chr9:129,010,192, G>A on the plus strand (C>T on the coding strand, the complement: SH3GLB2 is on the minus strand). VCF-style: chr9-129010192-G-A. GRCh37 (hg19) VCF-style: chr9-131772471-G-A.
Other names: c.678C>T, p.Arg226= (NM_001287045.2, NM_001369914.1); c.666C>T, p.Arg222= (NM_001287046.2, NM_001438435.1); c.711C>T, p.Arg237= (NM_001369913.1); c.603C>T, p.Arg201= (NM_001369915.1, NM_001438436.1); c.738C>T, p.Arg246= (NM_001438434.1).
Identifiers: ClinVar variation 4084835 (VCV004084835.8).

ClinVar aggregate classification (germline): Likely benign (1 of 4 stars; one submission).

gnomAD v4.1: 381 of 1,613,942 alleles (0.024%); highest among the groups gnomAD compares: Non-Finnish European, 0.03%; 1 homozygote.

Submission:

CeGaT Center for Human Genetics Tuebingen
Classification: Likely benign. Last evaluated: 2025-06-01. Review status: criteria provided, single submitter. Criteria: CeGaT Center For Human Genetics Tuebingen Variant Classification Criteria Version 2. Collection method: clinical testing. Allele origin: germline. Affected: yes. Observed: 1 variant allele.
Comment: SH3GLB2: BP4, BP7